The following is an entry in ClinVar:

NM_001256864.2(DNAJC6):c.666+3G>A

Gene: DNAJC6 (DnaJ heat shock protein family (Hsp40) member C6; plus strand). Cytogenetic location: 1p31.3.
Variant type: single nucleotide variant.
Coding change: c.666+3G>A on transcript NM_001256864.2 (MANE Select); 3 bases into the intron after coding-DNA position 666, G replaced by A.
Molecular consequence: intron variant.
Genome position (GRCh38, 1-based): chr1:65,379,527, G>A. VCF-style: chr1-65379527-G-A. GRCh37 (hg19) VCF-style: chr1-65845210-G-A.
Other names: c.456+3G>A (NM_001256865.2); c.495+3G>A (NM_014787.4).
Identifiers: ClinVar variation 3638852 (VCV003638852.2).

ClinVar aggregate classification (germline): Uncertain significance (1 of 4 stars; one submission).

Conditions:
Juvenile onset Parkinson disease 19A. Also called: DNAJC6 Parkinson Disease; PARK19. Identifiers: Orphanet 391411, MedGen C3809811, MONDO:0014231, OMIM 615528.

gnomAD v4.1: 7 of 1,613,902 alleles (0.00043%); highest among the groups gnomAD compares: Admixed American, 0.005%; no homozygotes.

Submission:

Labcorp Genetics (formerly Invitae), Labcorp
Classification: Uncertain significance for Juvenile onset Parkinson disease 19A. Last evaluated: 2026-01-12. Review status: criteria provided, single submitter. Criteria: Invitae Variant Classification Sherloc (09022015). Collection method: clinical testing. Allele origin: germline.
Comment: This sequence change falls in intron 5 of the DNAJC6 gene. It does not directly change the encoded amino acid sequence of the DNAJC6 protein. It affects a nucleotide within the consensus splice site. This variant is present in population databases (rs766346073, gnomAD 0.009%). This variant has not been reported in the literature in individuals affected with DNAJC6-related conditions. ClinVar contains an entry for this variant (Variation ID: 3638852). Variants that disrupt the consensus splice site are a relatively common cause of aberrant splicing (PMID: 17576681, 9536098). Algorithms developed to predict the effect of sequence changes on RNA splicing suggest that this variant is not likely to affect RNA splicing. In summary, the available evidence is currently insufficient to determine the role of this variant in disease. Therefore, it has been classified as a Variant of Uncertain Significance.

Literature cited by the submitters: PubMed 17576681; PubMed 9536098.